The following is an entry in ClinVar:

NM_182914.3(SYNE2):c.10776A>G (p.Ile3592Met)

Gene: SYNE2 (spectrin repeat containing nuclear envelope protein 2; plus strand). Cytogenetic location: 14q23.2.
Variant type: single nucleotide variant.
Coding change: c.10776A>G on transcript NM_182914.3 (MANE Select); coding-DNA position 10776, A replaced by G.
Protein change: p.Ile3592Met; replaces isoleucine 3592 with methionine.
Molecular consequence: missense variant.
Genome position (GRCh38, 1-based): chr14:64,074,046, A>G. VCF-style: chr14-64074046-A-G. GRCh37 (hg19) VCF-style: chr14-64540764-A-G.
Other names: c.10776A>G, p.Ile3592Met (NM_015180.6); short protein forms I3592M.
Identifiers: ClinVar variation 882795 (VCV000882795.10), dbSNP rs373340663, ClinGen allele CA7221612.

ClinVar aggregate classification (germline): Conflicting classifications of pathogenicity. Review status: criteria provided, conflicting classifications (1 of 4 stars). 3 submissions from 3 submitters: Uncertain significance (2); Likely benign (1). Last evaluated 2025-11-20.

Conditions:
Emery-Dreifuss muscular dystrophy 5, autosomal dominant (EDMD5). Also called: EMERY-DREIFUSS MUSCULAR DYSTROPHY 5. Identifiers: Orphanet 261, MedGen C2751805, MONDO:0013072, OMIM 612999.

Allele frequency attached by ClinVar (database versions not stated): TOPMed 0.00001; ExAC 0.00002; gnomAD 0.00002; gnomAD exomes 0.00002 and 0.00006; ESP Exome Variant Server 0.00017.
gnomAD v4.1: 94 of 1,614,052 alleles (0.0058%); highest among the groups gnomAD compares: Non-Finnish European, 0.0076%; no homozygotes.

Submissions (3):

Ambry Genetics
Classification: Uncertain significance. Last evaluated: 2025-11-20. Review status: criteria provided, single submitter. Criteria: Ambry Variant Classification Scheme 2023. Collection method: clinical testing. Allele origin: germline.

Labcorp Genetics (formerly Invitae), Labcorp
Classification: Uncertain significance for Emery-Dreifuss muscular dystrophy 5, autosomal dominant. Last evaluated: 2025-04-14. Review status: criteria provided, single submitter. Criteria: Invitae Variant Classification Sherloc (09022015). Collection method: clinical testing. Allele origin: germline.
Comment: This sequence change replaces isoleucine, which is neutral and non-polar, with methionine, which is neutral and non-polar, at codon 3592 of the SYNE2 protein (p.Ile3592Met). This variant is present in population databases (rs373340663, gnomAD 0.008%). This variant has not been reported in the literature in individuals affected with SYNE2-related conditions. ClinVar contains an entry for this variant (Variation ID: 882795). An algorithm developed to predict the effect of missense changes on protein structure and function (PolyPhen-2) suggests that this variant is likely to be tolerated. In summary, the available evidence is currently insufficient to determine the role of this variant in disease. Therefore, it has been classified as a Variant of Uncertain Significance.

Illumina Laboratory Services, Illumina
Classification: Likely benign for Emery-Dreifuss muscular dystrophy 5, autosomal dominant. Last evaluated: 2018-01-12. Review status: criteria provided, single submitter. Criteria: ICSL Variant Classification Criteria 13 December 2019. Collection method: clinical testing. Allele origin: germline.
Comment: This variant was observed in the ICSL laboratory as part of a predisposition screen in an ostensibly healthy population. It had not been previously curated by ICSL or reported in the Human Gene Mutation Database (HGMD: prior to June 1st, 2018), and was therefore a candidate for classification through an automated scoring system. Utilizing variant allele frequency, disease prevalence and penetrance estimates, and inheritance mode, an automated score was calculated to assess if this variant is too frequent to cause the disease. Based on the score and internal cut-off values, a variant classified as likely benign is not then subjected to further curation. The score for this variant resulted in a classification of likely benign for this disease.